The following is an entry in ClinVar:

ClinVar aggregate classification (germline): Uncertain significance (1 of 4 stars; one submission).

Conditions:
Atrial septal defect 5 (ASD5). Identifiers: Orphanet 1478, MedGen C2748552, MONDO:0013011, OMIM 612794.
Dilated cardiomyopathy 1R (CMD1R). Identifiers: Orphanet 154, Orphanet 54260, MedGen C3150681, MONDO:0013261, OMIM 613424.
Hypertrophic cardiomyopathy 11. Also called: ACTC1-Related Familial Hypertrophic Cardiomyopathy. Identifiers: MedGen C2677506, MONDO:0012799, OMIM 612098.

Submission:

Labcorp Genetics (formerly Invitae), Labcorp
Classification: Uncertain significance for Dilated cardiomyopathy 1R; Hypertrophic cardiomyopathy 11; Atrial septal defect 5. Last evaluated: 2017-04-01. Review status: criteria provided, single submitter. Criteria: Invitae Variant Classification Sherloc (09022015). Collection method: clinical testing. Allele origin: germline.
Comment: Algorithms developed to predict the effect of sequence changes on RNA splicing suggest that this variant may alter RNA splicing, but this prediction has not been confirmed by published transcriptional studies. Algorithms developed to predict the effect of missense changes on protein structure and function do not agree on the potential impact of this missense change (SIFT: "Deleterious"; PolyPhen-2: "Probably Damaging"; Align-GVGD: "Class C0"). This variant is not present in population databases (ExAC no frequency) and has not been reported in the literature in individuals with a ACTC1-related disease. This sequence change replaces isoleucine with methionine at codon 167 of the ACTC1 protein (p.Ile167Met). The isoleucine residue is highly conserved and there is a small physicochemical difference between isoleucine and methionine. In summary, this variant is a novel missense change with uncertain impact on protein function. It has been classified as a Variant of Uncertain Significance.

NM_005159.5(ACTC1):c.501C>G (p.Ile167Met)

Genes: GJD2-DT (GJD2 divergent transcript; plus strand), ACTC1 (actin alpha cardiac muscle 1; minus strand). Cytogenetic location: 15q14.
Variant type: single nucleotide variant.
Coding change: c.501C>G on transcript NM_005159.5 (MANE Select); coding-DNA position 501, C replaced by G.
Protein change: p.Ile167Met; replaces isoleucine 167 with methionine.
Molecular consequence: missense variant.
Genome position (GRCh38, 1-based): chr15:34,792,523, G>C on the plus strand (C>G on the coding strand, the complement: ACTC1 is on the minus strand). VCF-style: chr15-34792523-G-C. GRCh37 (hg19) VCF-style: chr15-35084724-G-C.
Other names: c.501C>G (LRG_388t1); short protein forms I167M.
Identifiers: ClinVar variation 471457 (VCV000471457.8), dbSNP rs1306504752, ClinGen allele CA391631094.